The following is an entry in ClinVar:

NM_001099274.3(TINF2):c.425C>G (p.Pro142Arg)

Gene: TINF2 (TERF1 interacting nuclear factor 2; minus strand). Cytogenetic location: 14q12.
Variant type: single nucleotide variant.
Coding change: c.425C>G on transcript NM_001099274.3 (MANE Select); coding-DNA position 425, C replaced by G.
Protein change: p.Pro142Arg; replaces proline 142 with arginine.
Molecular consequence: missense variant.
Genome position (GRCh38, 1-based): chr14:24,241,286, G>C on the plus strand (C>G on the coding strand, the complement: TINF2 is on the minus strand). VCF-style: chr14-24241286-G-C. GRCh37 (hg19) VCF-style: chr14-24710492-G-C.
Other names: c.320C>G, p.Pro107Arg (NM_001363668.2); c.425C>G, p.Pro142Arg (NM_012461.3); short protein forms P142R, P107R.
Identifiers: ClinVar variation 1444299 (VCV001444299.8), dbSNP rs770995315, ClinGen allele CA389232008.

ClinVar aggregate classification (germline): Uncertain significance (1 of 4 stars; one submission).

Conditions:
Dyskeratosis congenita. Identifiers: Orphanet 1775, MedGen C0265965, MONDO:0015780.

gnomAD v4.1: 3 of 1,614,102 alleles (0.00019%); highest among the groups gnomAD compares: Non-Finnish European, 0.00025%; no homozygotes.

Submission:

Labcorp Genetics (formerly Invitae), Labcorp
Classification: Uncertain significance for Dyskeratosis congenita. Last evaluated: 2021-02-19. Review status: criteria provided, single submitter. Criteria: Invitae Variant Classification Sherloc (09022015). Collection method: clinical testing. Allele origin: germline.
Comment: In summary, the available evidence is currently insufficient to determine the role of this variant in disease. Therefore, it has been classified as a Variant of Uncertain Significance. Algorithms developed to predict the effect of missense changes on protein structure and function are either unavailable or do not agree on the potential impact of this missense change (SIFT: "Tolerated"; PolyPhen-2: "Possibly Damaging"; Align-GVGD: "Class C0"). This variant has not been reported in the literature in individuals with TINF2-related conditions. This variant is not present in population databases (ExAC no frequency). This sequence change replaces proline with arginine at codon 142 of the TINF2 protein (p.Pro142Arg). The proline residue is moderately conserved and there is a moderate physicochemical difference between proline and arginine.